The following is an entry in ClinVar:

ClinVar aggregate classification (germline): Conflicting classifications of pathogenicity. Review status: criteria provided, conflicting classifications (1 of 4 stars). 2 submissions from 2 submitters: Uncertain significance (1); Likely benign (1). Last evaluated 2026-01-26.

Conditions:
Hypertrophic cardiomyopathy. Also called: HYPERTROPHIC MYOCARDIOPATHY. Identifiers: Orphanet 217569, MedGen C0007194, MeSH D002312, MONDO:0005045, HP:0001639.

Allele frequency attached by ClinVar (database versions not stated): gnomAD 0.00026 and 0.00023; gnomAD exomes 0.00012 and 0.00030; ExAC 0.00014; TOPMed 0.00023; ESP Exome Variant Server 0.00024.
gnomAD v4.1: 469 of 1,613,604 alleles (0.029%); highest among the groups gnomAD compares: African/African-American, 0.071%; no homozygotes.

Submissions (2):

Labcorp Genetics (formerly Invitae), Labcorp
Classification: Likely benign for Hypertrophic cardiomyopathy. Last evaluated: 2026-01-26. Review status: criteria provided, single submitter. Criteria: Invitae Variant Classification Sherloc (09022015). Collection method: clinical testing. Allele origin: germline.

Ambry Genetics
Classification: Uncertain significance. Last evaluated: 2025-07-24. Review status: criteria provided, single submitter. Criteria: Ambry Variant Classification Scheme 2023. Collection method: clinical testing. Allele origin: germline.
Comment: The p.A37V variant (also known as c.110C>T), located in coding exon 1 of the MYOM1 gene, results from a C to T substitution at nucleotide position 110. The alanine at codon 37 is replaced by valine, an amino acid with similar properties. This amino acid position is conserved. In addition, this alteration is predicted to be tolerated by in silico analysis. Since supporting evidence is limited at this time, the clinical significance of this alteration remains unclear.

NM_003803.4(MYOM1):c.110C>T (p.Ala37Val)

Gene: MYOM1 (myomesin 1; minus strand). Cytogenetic location: 18p11.31.
Variant type: single nucleotide variant.
Coding change: c.110C>T on transcript NM_003803.4 (MANE Select); coding-DNA position 110, C replaced by T.
Protein change: p.Ala37Val; replaces alanine 37 with valine.
Molecular consequence: missense variant.
Genome position (GRCh38, 1-based): chr18:3,215,114, G>A on the plus strand (C>T on the coding strand, the complement: MYOM1 is on the minus strand). VCF-style: chr18-3215114-G-A. GRCh37 (hg19) VCF-style: chr18-3215112-G-A.
Other names: c.110C>T, p.Ala37Val (NM_019856.2); short protein forms A37V.
Identifiers: ClinVar variation 239564 (VCV000239564.15), dbSNP rs375155656, ClinGen allele CA8875358.